The following is an entry in ClinVar:

NM_004453.4(ETFDH):c.1813G>T (p.Val605Leu)

Gene: ETFDH (electron transfer flavoprotein dehydrogenase; plus strand). Cytogenetic location: 4q32.1.
Variant type: single nucleotide variant.
Coding change: c.1813G>T on transcript NM_004453.4 (MANE Select); coding-DNA position 1813, G replaced by T.
Protein change: p.Val605Leu; replaces valine 605 with leucine.
Molecular consequence: missense variant.
Genome position (GRCh38, 1-based): chr4:158,708,486, G>T. VCF-style: chr4-158708486-G-T. GRCh37 (hg19) VCF-style: chr4-159629638-G-T.
Other names: c.1672G>T, p.Val558Leu (NM_001281737.2); c.1630G>T, p.Val544Leu (NM_001281738.1); c.1813G>T (NM_004453.2); short protein forms V544L, V605L, V558L.
Identifiers: ClinVar variation 1478263 (VCV001478263.8), dbSNP rs1774702955, ClinGen allele CA358566904.

ClinVar aggregate classification (germline): Uncertain significance. Review status: criteria provided, multiple submitters, no conflicts (2 of 4 stars). 2 submissions from 2 submitters: Uncertain significance (2). Last evaluated 2023-03-22.

Conditions:
Multiple acyl-CoA dehydrogenase deficiency (MADD). Also called: Glutaric aciduria, type 2; ETHYLMALONIC-ADIPICACIDURIA; GA II; Glutaric Acidemia type 2; Glutaric acidemia type II; GA 2. Identifiers: Orphanet 26791, MedGen C0268596, MONDO:0009282, OMIM 231680.
Inborn genetic diseases. Identifiers: MedGen C0950123, MeSH D030342.

Allele frequency attached by ClinVar (database versions not stated): TOPMed below 0.00001; gnomAD 0.00001.
gnomAD v4.1: 5 of 1,613,354 alleles (0.00031%); highest among the groups gnomAD compares: Non-Finnish European, 0.00042%; no homozygotes.

Submissions (2):

Ambry Genetics
Classification: Uncertain significance for Inborn genetic diseases. Last evaluated: 2023-03-22. Review status: criteria provided, single submitter. Criteria: Ambry Variant Classification Scheme 2023. Collection method: clinical testing. Allele origin: germline.

Labcorp Genetics (formerly Invitae), Labcorp
Classification: Uncertain significance for Multiple acyl-CoA dehydrogenase deficiency. Last evaluated: 2022-07-30. Review status: criteria provided, single submitter. Criteria: Invitae Variant Classification Sherloc (09022015). Collection method: clinical testing. Allele origin: germline.
Comment: In summary, the available evidence is currently insufficient to determine the role of this variant in disease. Therefore, it has been classified as a Variant of Uncertain Significance. Advanced modeling of protein sequence and biophysical properties (such as structural, functional, and spatial information, amino acid conservation, physicochemical variation, residue mobility, and thermodynamic stability) performed at Invitae indicates that this missense variant is expected to disrupt ETFDH protein function. ClinVar contains an entry for this variant (Variation ID: 1478263). This variant has not been reported in the literature in individuals affected with ETFDH-related conditions. This variant is not present in population databases (gnomAD no frequency). This sequence change replaces valine, which is neutral and non-polar, with leucine, which is neutral and non-polar, at codon 605 of the ETFDH protein (p.Val605Leu).